The following is an entry in ClinVar:

ClinVar aggregate classification (germline): Uncertain significance (0 of 4 stars; one submission).

Submission:

Martin Pollak Laboratory,  Beth Israel Deaconess Medical Center
Classification: Uncertain significance. Review status: no assertion criteria provided. Collection method: not provided. Allele origin: unknown.
Comment: Lower UCa2+ group
ClinVar note: Converted during submission from unknown to Uncertain significance.

NM_003040.4(SLC4A2):c.3550G>A (p.Ala1184Thr)

Gene: SLC4A2 (solute carrier family 4 member 2; plus strand). Cytogenetic location: 7q36.1.
Variant type: single nucleotide variant.
Coding change: c.3550G>A on transcript NM_003040.4 (MANE Select); coding-DNA position 3550, G replaced by A.
Protein change: p.Ala1184Thr; replaces alanine 1184 with threonine.
Molecular consequence: missense variant.
Genome position (GRCh38, 1-based): chr7:151,076,091, G>A. VCF-style: chr7-151076091-G-A. GRCh37 (hg19) VCF-style: chr7-150773178-G-A.
Other names: c.3550G>A, p.Ala1184Thr (NM_001199692.3); c.3523G>A, p.Ala1175Thr (NM_001199693.1); c.3508G>A, p.Ala1170Thr (NM_001199694.2); short protein forms A1184T, A1175T, A1170T.
Identifiers: ClinVar variation 64514 (VCV000064514.2), dbSNP rs387907518, ClinGen allele CA216317.